The following is an entry in ClinVar:

ClinVar aggregate classification (germline): Uncertain significance. Review status: criteria provided, multiple submitters, no conflicts (2 of 4 stars). 2 submissions from 2 submitters: Uncertain significance (2). Last evaluated 2022-10-14.

Conditions:
Renal carnitine transport defect (CDSP). Also called: Carnitine transporter deficiency; Primary carnitine deficiency; Systemic primary carnitine deficiency; CARNITINE DEFICIENCY, SYSTEMIC, DUE TO DEFECT IN RENAL REABSORPTION OF CARNITINE; CARNITINE TRANSPORTER, PLASMA-MEMBRANE, DEFICIENCY OF; CARNITINE UPTAKE DEFECT. Identifiers: Orphanet 158, MedGen C0342788, MONDO:0008919, OMIM 212140.

Allele frequency attached by ClinVar (database versions not stated): gnomAD exomes below 0.00001; gnomAD 0.00001.
gnomAD v4.1: 3 of 1,613,476 alleles (0.00019%); highest among the groups gnomAD compares: Non-Finnish European, 0.00025%; no homozygotes.

Submissions (2):

Labcorp Genetics (formerly Invitae), Labcorp
Classification: Uncertain significance for Renal carnitine transport defect. Last evaluated: 2022-10-14. Review status: criteria provided, single submitter. Criteria: Invitae Variant Classification Sherloc (09022015). Collection method: clinical testing. Allele origin: germline.
Comment: This sequence change replaces proline, which is neutral and non-polar, with leucine, which is neutral and non-polar, at codon 421 of the SLC22A5 protein (p.Pro421Leu). This variant is present in population databases (no rsID available, gnomAD 0.01%). This variant has not been reported in the literature in individuals affected with SLC22A5-related conditions. ClinVar contains an entry for this variant (Variation ID: 1489784). Advanced modeling of protein sequence and biophysical properties (such as structural, functional, and spatial information, amino acid conservation, physicochemical variation, residue mobility, and thermodynamic stability) performed at Invitae indicates that this missense variant is expected to disrupt SLC22A5 protein function. In summary, the available evidence is currently insufficient to determine the role of this variant in disease. Therefore, it has been classified as a Variant of Uncertain Significance.

Giacomini Lab, University of California, San Francisco
Classification: Uncertain significance for Renal carnitine transport defect. Last evaluated: 2022-10-03. Review status: criteria provided, single submitter. Criteria: ACMG Guidelines, 2015. Collection method: research, in vitro. Allele origin: germline, not applicable.

NM_003060.4(SLC22A5):c.1262C>T (p.Pro421Leu)

Gene: SLC22A5 (solute carrier family 22 member 5; plus strand). Cytogenetic location: 5q31.1.
Variant type: single nucleotide variant.
Coding change: c.1262C>T on transcript NM_003060.4 (MANE Select); coding-DNA position 1262, C replaced by T.
Protein change: p.Pro421Leu; replaces proline 421 with leucine.
Molecular consequence: missense variant.
Genome position (GRCh38, 1-based): chr5:132,390,899, C>T. VCF-style: chr5-132390899-C-T. GRCh37 (hg19) VCF-style: chr5-131726591-C-T.
Other names: p.Pro421Leu; c.1334C>T, p.Pro445Leu (NM_001308122.2); short protein forms P421L, P445L.
Identifiers: ClinVar variation 1489784 (VCV001489784.7), dbSNP rs1436718402, ClinGen allele CA360807858.
Genomic context (GRCh38, chr5:132,390,899, plus strand): 5'-ATTCCATGGCCACTGCCCTCTTCCTGGGTGGCAGTGTCCTTCTCTTCATGCAGCTGGTAC[C>T]CCCAGGTAGGGACCATGTGCATCTATGGTTTGGGGTCTTCACTGAGTCTCTTACTGTCTA-3'
Protein context (NP_003051.1, residues 411-431): GSVLLFMQLV[Pro421Leu]PDLYYLATVL